The following is an entry in ClinVar:

NM_033305.3(VPS13A):c.3996del (p.Phe1332fs)

Gene: VPS13A (vacuolar protein sorting 13 homolog A; plus strand). Cytogenetic location: 9q21.2.
Variant type: Deletion.
Coding change: c.3996del on transcript NM_033305.3 (MANE Select); coding-DNA position 3996, one base deleted (T; older notation c.3996delT).
Protein change: p.Phe1332fs; shifts the reading frame from phenylalanine 1332.
Molecular consequence: frameshift variant.
Genome position (GRCh38, 1-based): chr9:77,307,980, T deleted; the last of 5 consecutive T bases (chr9:77,307,976-77,307,980); deleting any one gives the same sequence. VCF-style (leftmost placement, unchanged base first): chr9-77307975-AT-A. GRCh37 (hg19) VCF-style: chr9-79922891-AT-A.
Other names: c.3879del, p.Phe1293fs (NM_001018037.2); c.3996del, p.Phe1332fs (NM_001018038.3, NM_015186.4); short protein forms F1332fs, F1293fs.
Identifiers: ClinVar variation 2756114 (VCV002756114.3), dbSNP rs2537953068, ClinGen allele CA2697557778.

ClinVar aggregate classification (germline): Pathogenic (1 of 4 stars; one submission).

Submission:

Labcorp Genetics (formerly Invitae), Labcorp
Classification: Pathogenic. Last evaluated: 2023-08-29. Review status: criteria provided, single submitter. Criteria: Invitae Variant Classification Sherloc (09022015). Collection method: clinical testing. Allele origin: germline.
Comment: For these reasons, this variant has been classified as Pathogenic. This variant has not been reported in the literature in individuals affected with VPS13A-related conditions. This variant is not present in population databases (gnomAD no frequency). This sequence change creates a premature translational stop signal (p.Phe1332Leufs*20) in the VPS13A gene. It is expected to result in an absent or disrupted protein product. Loss-of-function variants in VPS13A are known to be pathogenic (PMID: 12404112, 21598378).

Literature cited by the submitters: PubMed 12404112; PubMed 21598378.